The following is an entry in ClinVar:

NM_002180.3(IGHMBP2):c.1952A>G (p.Tyr651Cys)

Gene: IGHMBP2 (immunoglobulin mu DNA binding protein 2; plus strand). Cytogenetic location: 11q13.3.
Variant type: single nucleotide variant.
Coding change: c.1952A>G on transcript NM_002180.3 (MANE Select); coding-DNA position 1952, A replaced by G.
Protein change: p.Tyr651Cys; replaces tyrosine 651 with cysteine.
Molecular consequence: missense variant.
Genome position (GRCh38, 1-based): chr11:68,936,432, A>G. VCF-style: chr11-68936432-A-G. GRCh37 (hg19) VCF-style: chr11-68703900-A-G.
Other names: short protein forms Y651C.
Identifiers: ClinVar variation 1017483 (VCV001017483.6), dbSNP rs761885813, ClinGen allele CA6153813.

ClinVar aggregate classification (germline): Uncertain significance (1 of 4 stars; one submission).

Conditions:
Autosomal recessive distal spinal muscular atrophy 1. Also called: SEVERE INFANTILE AXONAL NEUROPATHY WITH RESPIRATORY FAILURE; SPINAL MUSCULAR ATROPHY, DIAPHRAGMATIC; Spinal muscular atrophy with respiratory distress 1; HMN VI; NEURONOPATHY, SEVERE INFANTILE AXONAL, WITH RESPIRATORY FAILURE; NEURONOPATHY, DISTAL HEREDITARY MOTOR, HARDING TYPE VI. Identifiers: Orphanet 98920, MedGen C1858517, MONDO:0011436, OMIM 604320.
Charcot-Marie-Tooth disease axonal type 2S. Also called: CHARCOT-MARIE-TOOTH NEUROPATHY, TYPE 2S; CHARCOT-MARIE-TOOTH DISEASE, AXONAL, AUTOSOMAL RECESSIVE, TYPE 2S. Identifiers: Orphanet 443073, MedGen C4015349, MONDO:0014511, OMIM 616155.

Allele frequency attached by ClinVar (database versions not stated): ExAC 0.00001; gnomAD 0.00002; gnomAD exomes 0.00002; TOPMed 0.00002.
gnomAD v4.1: 29 of 1,614,010 alleles (0.0018%); highest among the groups gnomAD compares: East Asian, 0.0022%; no homozygotes.

Submission:

Labcorp Genetics (formerly Invitae), Labcorp
Classification: Uncertain significance for Autosomal recessive distal spinal muscular atrophy 1; Charcot-Marie-Tooth disease axonal type 2S. Last evaluated: 2022-07-05. Review status: criteria provided, single submitter. Criteria: Invitae Variant Classification Sherloc (09022015). Collection method: clinical testing. Allele origin: germline.
Comment: This sequence change replaces tyrosine, which is neutral and polar, with cysteine, which is neutral and slightly polar, at codon 651 of the IGHMBP2 protein (p.Tyr651Cys). This variant is present in population databases (rs761885813, gnomAD 0.006%). This variant has not been reported in the literature in individuals affected with IGHMBP2-related conditions. ClinVar contains an entry for this variant (Variation ID: 1017483). Algorithms developed to predict the effect of missense changes on protein structure and function are either unavailable or do not agree on the potential impact of this missense change (SIFT: "Deleterious"; PolyPhen-2: "Benign"; Align-GVGD: "Class C0"). In summary, the available evidence is currently insufficient to determine the role of this variant in disease. Therefore, it has been classified as a Variant of Uncertain Significance.